The following is an entry in ClinVar:

NM_000222.3(KIT):c.1436A>G (p.Asp479Gly)

Gene: KIT (KIT proto-oncogene, receptor tyrosine kinase; plus strand). Cytogenetic location: 4q12.
Variant type: single nucleotide variant.
Coding change: c.1436A>G on transcript NM_000222.3 (MANE Select); coding-DNA position 1436, A replaced by G.
Protein change: p.Asp479Gly; replaces aspartic acid 479 with glycine.
Molecular consequence: missense variant.
Genome position (GRCh38, 1-based): chr4:54,725,946, A>G. VCF-style: chr4-54725946-A-G. GRCh37 (hg19) VCF-style: chr4-55592112-A-G.
Other names: c.1436A>G, p.Asp479Gly (NM_001093772.2, NM_001385285.1, NM_001385286.1); c.1439A>G, p.Asp480Gly (NM_001385284.1, NM_001385288.1, NM_001385290.1 and 1 more transcripts); short protein forms D479G, D480G.
Identifiers: ClinVar variation 3643165 (VCV003643165.2).
Genomic context (GRCh38, chr4:54,725,946, plus strand): 5'-TGCAGACACTAAACTCATCTGGGCCACCGTTTGGAAAGCTAGTGGTTCAGAGTTCTATAG[A>G]TTCTAGTGCATTCAAGCACAATGGCACGGTTGAATGTAAGGCTTACAACGATGTGGGCAA-3'
Protein context (NP_000213.1, residues 469-489): FGKLVVQSSI[Asp479Gly]SSAFKHNGTV

ClinVar aggregate classification (germline): Uncertain significance (1 of 4 stars; one submission).

Conditions:
Gastrointestinal stromal tumor. Also called: Gastrointestinal stromal tumor, somatic; Gastrointestinal stroma tumor. Identifiers: Orphanet 44890, MedGen C0238198, MeSH D046152, MONDO:0011719, OMIM 606764, HP:0100723.

Submission:

Labcorp Genetics (formerly Invitae), Labcorp
Classification: Uncertain significance for Gastrointestinal stromal tumor. Last evaluated: 2024-06-05. Review status: criteria provided, single submitter. Criteria: Invitae Variant Classification Sherloc (09022015). Collection method: clinical testing. Allele origin: germline.
Comment: This sequence change replaces aspartic acid, which is acidic and polar, with glycine, which is neutral and non-polar, at codon 479 of the KIT protein (p.Asp479Gly). This variant is not present in population databases (gnomAD no frequency). This variant has not been reported in the literature in individuals affected with KIT-related conditions. An algorithm developed to predict the effect of missense changes on protein structure and function (PolyPhen-2) suggests that this variant is likely to be disruptive. In summary, the available evidence is currently insufficient to determine the role of this variant in disease. Therefore, it has been classified as a Variant of Uncertain Significance.